The following is an entry in ClinVar:

NM_002473.6(MYH9):c.*137C>A

Gene: MYH9 (myosin heavy chain 9; minus strand). Cytogenetic location: 22q12.3.
Variant type: single nucleotide variant.
Coding change: c.*137C>A on transcript NM_002473.6 (MANE Select); 137 bases downstream of the stop codon, C replaced by A.
Molecular consequence: 3 prime UTR variant.
Genome position (GRCh38, 1-based): chr22:36,282,531, G>T on the plus strand (C>A on the coding strand, the complement: MYH9 is on the minus strand). VCF-style: chr22-36282531-G-T. GRCh37 (hg19) VCF-style: chr22-36678577-G-T.
Identifiers: ClinVar variation 341485 (VCV000341485.8), dbSNP rs114268057, ClinGen allele CA10654111.

ClinVar aggregate classification (germline): Benign. Review status: criteria provided, multiple submitters, no conflicts (2 of 4 stars). 4 submissions from 3 submitters: Benign (4). Last evaluated 2018-10-01.

Conditions:
Autosomal dominant nonsyndromic hearing loss 17. Also called: Autosomal dominant nonsyndromic deafness 17; Deafness, autosomal dominant 17. Identifiers: Orphanet 90635, MedGen C1863659, MONDO:0011350, OMIM 603622.
MYH9-related disorder. Identifiers: MedGen C1854520.

Allele frequency attached by ClinVar (database versions not stated): gnomAD 0.02699; TOPMed 0.02737; 1000 Genomes Project 0.02756; 1000 Genomes Project 30x 0.02858.
gnomAD v4.1: 6,123 of 858,772 alleles (0.71%); highest among the groups gnomAD compares: African/African-American, 8.6%; 242 homozygotes.

Submissions (4):

GeneDx
Classification: Benign. Last evaluated: 2018-10-01. Review status: criteria provided, single submitter. Criteria: GeneDx Variant Classification Process June 2021. Collection method: clinical testing. Allele origin: germline. Affected: yes.

Illumina Laboratory Services, Illumina
Classification: Benign for MYH9-related disorder. Last evaluated: 2018-01-13. Review status: criteria provided, single submitter. Criteria: ICSL Variant Classification Criteria 13 December 2019. Collection method: clinical testing. Allele origin: germline.
Comment: This variant was observed in the ICSL laboratory as part of a predisposition screen in an ostensibly healthy population. It had not been previously curated by ICSL or reported in the Human Gene Mutation Database (HGMD: prior to June 1st, 2018), and was therefore a candidate for classification through an automated scoring system. Utilizing variant allele frequency, disease prevalence and penetrance estimates, and inheritance mode, an automated score was calculated to assess if this variant is too frequent to cause the disease. Based on the score and internal cut-off values, a variant classified as benign is not then subjected to further curation. The score for this variant resulted in a classification of benign for this disease.

Illumina Laboratory Services, Illumina
Classification: Benign for Autosomal dominant nonsyndromic hearing loss 17. Last evaluated: 2018-01-13. Review status: criteria provided, single submitter. Criteria: ICSL Variant Classification Criteria 13 December 2019. Collection method: clinical testing. Allele origin: germline.
Comment: the same text as in the submission from Illumina Laboratory Services, Illumina above.

Breakthrough Genomics
Classification: Benign. Review status: criteria provided, single submitter. Criteria: ACMG Guidelines, 2015. Collection method: not provided. Allele origin: germline. Inheritance: Autosomal dominant inheritance. Affected: yes.